The following is an entry in ClinVar:

NM_152281.3(GORAB):c.679del (p.Ala227fs)

Gene: GORAB (golgin, RAB6 interacting; plus strand). Cytogenetic location: 1q24.2.
Variant type: Deletion.
Coding change: c.679del on transcript NM_152281.3 (MANE Select); coding-DNA position 679, one base deleted (G; older notation c.679delG).
Protein change: p.Ala227fs; shifts the reading frame from alanine 227.
Molecular consequence: frameshift variant. On other transcripts: non-coding transcript variant (1).
Genome position (GRCh38, 1-based): chr1:170,552,031, G deleted; the last of 3 consecutive G bases (chr1:170,552,029-170,552,031); deleting any one gives the same sequence. VCF-style (leftmost placement, unchanged base first): chr1-170552028-AG-A. GRCh37 (hg19) VCF-style: chr1-170521169-AG-A.
Other names: c.214del, p.Ala72fs (NM_001320252.2); c.628del, p.Ala210fs (NM_001410894.1); short protein forms A210fs, A72fs, A227fs.
Identifiers: ClinVar variation 3728414 (VCV003728414.2).

ClinVar aggregate classification (germline): Pathogenic (1 of 4 stars; one submission).

Submission:

Labcorp Genetics (formerly Invitae), Labcorp
Classification: Pathogenic. Last evaluated: 2025-01-01. Review status: criteria provided, single submitter. Criteria: Invitae Variant Classification Sherloc (09022015). Collection method: clinical testing. Allele origin: germline.
Comment: This sequence change creates a premature translational stop signal (p.Ala252Leufs*10) in the GORAB gene. While this is not anticipated to result in nonsense mediated decay, it is expected to disrupt the last 143 amino acid(s) of the GORAB protein. This variant is not present in population databases (gnomAD no frequency). This variant has not been reported in the literature in individuals affected with GORAB-related conditions. This variant disrupts a region of the GORAB protein in which other variant(s) (p.Arg287*) have been determined to be pathogenic (PMID: 18997784, 31829210). This suggests that this is a clinically significant region of the protein, and that variants that disrupt it are likely to be disease-causing. For these reasons, this variant has been classified as Pathogenic.

Literature cited by the submitters: PubMed 18997784; PubMed 31829210.